The following is an entry in ClinVar:

ClinVar aggregate classification (germline): Uncertain significance (1 of 4 stars; one submission).

Conditions:
Gastrointestinal stromal tumor. Also called: Gastrointestinal stromal tumor, somatic; Gastrointestinal stroma tumor. Identifiers: Orphanet 44890, MedGen C0238198, MeSH D046152, MONDO:0011719, OMIM 606764, HP:0100723.

gnomAD v4.1: 1 of 1,613,326 alleles (0.000062%); highest among the groups gnomAD compares: Admixed American, 0.0017%; no homozygotes.

Submission:

Labcorp Genetics (formerly Invitae), Labcorp
Classification: Uncertain significance for Gastrointestinal stromal tumor. Last evaluated: 2024-03-23. Review status: criteria provided, single submitter. Criteria: Invitae Variant Classification Sherloc (09022015). Collection method: clinical testing. Allele origin: germline.
Comment: This sequence change replaces threonine, which is neutral and polar, with alanine, which is neutral and non-polar, at codon 181 of the PDGFRA protein (p.Thr181Ala). This variant is not present in population databases (gnomAD no frequency). This variant has not been reported in the literature in individuals affected with PDGFRA-related conditions. Advanced modeling of protein sequence and biophysical properties (such as structural, functional, and spatial information, amino acid conservation, physicochemical variation, residue mobility, and thermodynamic stability) performed at Invitae indicates that this missense variant is not expected to disrupt PDGFRA protein function with a negative predictive value of 80%. In summary, the available evidence is currently insufficient to determine the role of this variant in disease. Therefore, it has been classified as a Variant of Uncertain Significance.

NM_006206.6(PDGFRA):c.541A>G (p.Thr181Ala)

Gene: PDGFRA (platelet derived growth factor receptor alpha; plus strand). Cytogenetic location: 4q12.
Variant type: single nucleotide variant.
Coding change: c.541A>G on transcript NM_006206.6 (MANE Select); coding-DNA position 541, A replaced by G.
Protein change: p.Thr181Ala; replaces threonine 181 with alanine.
Molecular consequence: missense variant.
Genome position (GRCh38, 1-based): chr4:54,263,840, A>G. VCF-style: chr4-54263840-A-G. GRCh37 (hg19) VCF-style: chr4-55130007-A-G.
Other names: c.541A>G, p.Thr181Ala (NM_001347827.2, NM_001347829.2); c.616A>G, p.Thr206Ala (NM_001347828.2); c.580A>G, p.Thr194Ala (NM_001347830.2); short protein forms T194A, T206A, T181A.
Identifiers: ClinVar variation 3706849 (VCV003706849.2).